The following is an entry in ClinVar:

ClinVar aggregate classification (germline): Uncertain significance (1 of 4 stars; one submission).

Allele frequency attached by ClinVar (database versions not stated): ExAC 0.00001; gnomAD 0.00002; gnomAD exomes 0.00002; TOPMed 0.00002; ESP Exome Variant Server 0.00008.
gnomAD v4.1: 27 of 1,614,014 alleles (0.0017%); highest among the groups gnomAD compares: East Asian, 0.0045%; no homozygotes.

Submission:

Labcorp Genetics (formerly Invitae), Labcorp
Classification: Uncertain significance. Last evaluated: 2022-06-04. Review status: criteria provided, single submitter. Criteria: Invitae Variant Classification Sherloc (09022015). Collection method: clinical testing. Allele origin: germline.
Comment: This sequence change replaces arginine, which is basic and polar, with histidine, which is basic and polar, at codon 1517 of the ABCA4 protein (p.Arg1517His). This variant is present in population databases (rs201523394, gnomAD 0.01%). This variant has not been reported in the literature in individuals affected with ABCA4-related conditions. ClinVar contains an entry for this variant (Variation ID: 1381080). Advanced modeling of protein sequence and biophysical properties (such as structural, functional, and spatial information, amino acid conservation, physicochemical variation, residue mobility, and thermodynamic stability) performed at Invitae indicates that this missense variant is not expected to disrupt ABCA4 protein function. In summary, the available evidence is currently insufficient to determine the role of this variant in disease. Therefore, it has been classified as a Variant of Uncertain Significance.

NM_000350.3(ABCA4):c.4550G>A (p.Arg1517His)

Gene: ABCA4 (ATP binding cassette subfamily A member 4; minus strand). Cytogenetic location: 1p22.1.
Variant type: single nucleotide variant.
Coding change: c.4550G>A on transcript NM_000350.3 (MANE Select); coding-DNA position 4550, G replaced by A.
Protein change: p.Arg1517His; replaces arginine 1517 with histidine.
Molecular consequence: missense variant.
Genome position (GRCh38, 1-based): chr1:94,025,038, C>T on the plus strand (G>A on the coding strand, the complement: ABCA4 is on the minus strand). VCF-style: chr1-94025038-C-T. GRCh37 (hg19) VCF-style: chr1-94490594-C-T.
Other names: c.4328G>A, p.Arg1443His (NM_001425324.1); short protein forms R1517H, R1443H.
Identifiers: ClinVar variation 1381080 (VCV001381080.5), dbSNP rs201523394, ClinGen allele CA957561.
Genomic context (GRCh38, chr1:94,025,038, plus strand): 5'-GTTTTTACCAAGAAGTCGGAGATGTTCCTGTCCGTCAGGTCTTGTAGAATTTCCGTGCTG[C>T]GCTGTGTTCTCTGAGGCAATGAGACACCCACGTTAATTACCTTGGAACTTGAGGACTTAT-3'
Protein context (NP_000341.2, residues 1507-1527): GGLPPPQRTQ[Arg1517His]STEILQDLTD